The following is an entry in ClinVar:

NM_001128431.4(SLC39A14):c.1475G>A (p.Gly492Glu)

Gene: SLC39A14 (solute carrier family 39 member 14; plus strand). Cytogenetic location: 8p21.3.
Variant type: single nucleotide variant.
Coding change: c.1475G>A on transcript NM_001128431.4 (MANE Select); coding-DNA position 1475, G replaced by A.
Protein change: p.Gly492Glu; replaces glycine 492 with glutamic acid.
Molecular consequence: missense variant. On other transcripts: intron variant (1).
Genome position (GRCh38, 1-based): chr8:22,419,694, G>A. VCF-style: chr8-22419694-G-A. GRCh37 (hg19) VCF-style: chr8-22277207-G-A.
Other names: p.Gly492Glu; c.1475G>A, p.Gly492Glu (NM_001135153.3, NM_001351655.2, NM_001351656.2 and 2 more transcripts); c.1505G>A, p.Gly502Glu (NM_001351657.2, NM_001351658.2, NM_001351659.2); c.1332+1859G>A (NM_001135154.3); short protein forms G502E, G492E.
Identifiers: ClinVar variation 2059352 (VCV002059352.5), dbSNP rs142292859, ClinGen allele CA4667604.
Genomic context (GRCh38, chr8:22,419,694, plus strand): 5'-TCCTGACTGGATTCACCATCATGGTGGTCCTCACCATGTATTCAGGACAGATCCAGATTG[G>A]GTAGGGCTCTGCCAAGAGCCTGTGGGACTGGAAGTCGGGCCCTGGGCTGCCCGATCGCCA-3'
Protein context (NP_001121903.1, residues 482-492): LTMYSGQIQI[Gly492Glu]

ClinVar aggregate classification (germline): Conflicting classifications of pathogenicity. Review status: criteria provided, conflicting classifications (1 of 4 stars). 4 submissions from 4 submitters: Uncertain significance (3); Benign (1). Last evaluated 2024-10-05.

Conditions:
Congenital heart disease (CHD). Identifiers: MedGen C0152021, MONDO:0005453. Disease mechanism: unknown.
Inborn genetic diseases. Identifiers: MedGen C0950123, MeSH D030342.

Allele frequency attached by ClinVar (database versions not stated): gnomAD 0.00027; TOPMed 0.00028; ESP Exome Variant Server 0.00054; ExAC 0.00027; gnomAD exomes 0.00044.
gnomAD v4.1: 660 of 1,600,018 alleles (0.041%); highest among the groups gnomAD compares: Non-Finnish European, 0.051%; 1 homozygote.

Submissions (4):

Mayo Clinic Laboratories, Mayo Clinic
Classification: Uncertain significance. Last evaluated: 2024-10-05. Review status: criteria provided, single submitter. Criteria: ACMG Guidelines, 2015. Collection method: clinical testing. Allele origin: germline. Observed: 2 variant alleles.

Ambry Genetics
Classification: Uncertain significance for Inborn genetic diseases. Last evaluated: 2023-12-16. Review status: criteria provided, single submitter. Criteria: Ambry Variant Classification Scheme 2023. Collection method: clinical testing. Allele origin: germline.

Labcorp Genetics (formerly Invitae), Labcorp
Classification: Uncertain significance. Last evaluated: 2022-08-12. Review status: criteria provided, single submitter. Criteria: Invitae Variant Classification Sherloc (09022015). Collection method: clinical testing. Allele origin: germline.
Comment: This sequence change replaces glycine, which is neutral and non-polar, with glutamic acid, which is acidic and polar, at codon 492 of the SLC39A14 protein (p.Gly492Glu). This variant is present in population databases (rs142292859, gnomAD 0.07%), including at least one homozygous and/or hemizygous individual. This variant has not been reported in the literature in individuals affected with SLC39A14-related conditions. Algorithms developed to predict the effect of missense changes on protein structure and function are either unavailable or do not agree on the potential impact of this missense change (SIFT: "Deleterious"; PolyPhen-2: "Probably Damaging"; Align-GVGD: "Class C0"). In summary, the available evidence is currently insufficient to determine the role of this variant in disease. Therefore, it has been classified as a Variant of Uncertain Significance.

Cambridge Genomics Laboratory, East Genomic Laboratory Hub, NHS Genomic Medicine Service
Classification: Benign for Congenital heart disease. Last evaluated: 2019-08-08. Review status: criteria provided, single submitter. Criteria: ACGS Best Practice Guidelines for Variant Classification in Rare Disease 2020. Collection method: clinical testing. Allele origin: germline. Affected: yes. Observed: 1 variant allele.